The following is an entry in ClinVar:

NM_025144.4(ALPK1):c.2090G>A (p.Gly697Asp)

Gene: ALPK1 (alpha kinase 1; plus strand). Cytogenetic location: 4q25.
Variant type: single nucleotide variant.
Coding change: c.2090G>A on transcript NM_025144.4 (MANE Select); coding-DNA position 2090, G replaced by A.
Protein change: p.Gly697Asp; replaces glycine 697 with aspartic acid.
Molecular consequence: missense variant.
Genome position (GRCh38, 1-based): chr4:112,431,637, G>A. VCF-style: chr4-112431637-G-A. GRCh37 (hg19) VCF-style: chr4-113352793-G-A.
Other names: c.2090G>A, p.Gly697Asp (NM_001102406.2); c.1856G>A, p.Gly619Asp (NM_001253884.2); short protein forms G619D, G697D.
Identifiers: ClinVar variation 1946434 (VCV001946434.4), dbSNP rs1734559557, ClinGen allele CA357896770.
Genomic context (GRCh38, chr4:112,431,637, plus strand): 5'-ATAATACCCCAGGCATTTTCTTGGCCCCTGGTGCAGGGCTTCTAGAAGGAGCTCCAGAAG[G>A]TATCCAGGAAGTCAGAAATATGGGACCCAGAAATACTTCTGCTCACTCCAGACCCTCATA-3'
Protein context (NP_079420.3, residues 687-707): GAGLLEGAPE[Gly697Asp]IQEVRNMGPR

ClinVar aggregate classification (germline): Uncertain significance (1 of 4 stars; one submission).

Allele frequency attached by ClinVar (database versions not stated): gnomAD exomes below 0.00001; TOPMed 0.00001.
gnomAD v4.1: 2 of 1,614,166 alleles (0.00012%); highest among the groups gnomAD compares: Non-Finnish European, 0.00017%; no homozygotes.

Submission:

Labcorp Genetics (formerly Invitae), Labcorp
Classification: Uncertain significance. Last evaluated: 2024-06-22. Review status: criteria provided, single submitter. Criteria: Invitae Variant Classification Sherloc (09022015). Collection method: clinical testing. Allele origin: germline.
Comment: This sequence change replaces glycine, which is neutral and non-polar, with aspartic acid, which is acidic and polar, at codon 697 of the ALPK1 protein (p.Gly697Asp). This variant is not present in population databases (gnomAD no frequency). This variant has not been reported in the literature in individuals affected with ALPK1-related conditions. ClinVar contains an entry for this variant (Variation ID: 1946434). Advanced modeling of protein sequence and biophysical properties (such as structural, functional, and spatial information, amino acid conservation, physicochemical variation, residue mobility, and thermodynamic stability) performed at Invitae indicates that this missense variant is not expected to disrupt ALPK1 protein function with a negative predictive value of 80%. In summary, the available evidence is currently insufficient to determine the role of this variant in disease. Therefore, it has been classified as a Variant of Uncertain Significance.